The following is an entry in ClinVar:

NM_017636.4(TRPM4):c.908G>T (p.Gly303Val)

Gene: TRPM4 (transient receptor potential cation channel subfamily M member 4; plus strand). Cytogenetic location: 19q13.33.
Variant type: single nucleotide variant.
Coding change: c.908G>T on transcript NM_017636.4 (MANE Select); coding-DNA position 908, G replaced by T.
Protein change: p.Gly303Val; replaces glycine 303 with valine.
Molecular consequence: missense variant. On other transcripts: 5 prime UTR variant (1).
Genome position (GRCh38, 1-based): chr19:49,171,627, G>T. VCF-style: chr19-49171627-G-T. GRCh37 (hg19) VCF-style: chr19-49674884-G-T.
Other names: c.908G>T, p.Gly303Val (NM_001195227.2); c.563G>T, p.Gly188Val (NM_001321281.2); c.-646G>T (NM_001321282.2); c.386G>T, p.Gly129Val (NM_001321283.2); c.59G>T, p.Gly20Val (NM_001321285.2); short protein forms G20V, G129V, G188V, G303V.
Identifiers: ClinVar variation 2820649 (VCV002820649.3), dbSNP rs2514071228, ClinGen allele CA406793957.

ClinVar aggregate classification (germline): Uncertain significance (1 of 4 stars; one submission).

Conditions:
Progressive familial heart block type IB (PFHB1B). Identifiers: Orphanet 871, MedGen C1970298, MONDO:0011474, OMIM 604559.

Submission:

Labcorp Genetics (formerly Invitae), Labcorp
Classification: Uncertain significance for Progressive familial heart block type IB. Last evaluated: 2022-12-14. Review status: criteria provided, single submitter. Criteria: Invitae Variant Classification Sherloc (09022015). Collection method: clinical testing. Allele origin: germline.
Comment: In summary, the available evidence is currently insufficient to determine the role of this variant in disease. Therefore, it has been classified as a Variant of Uncertain Significance. Algorithms developed to predict the effect of sequence changes on RNA splicing suggest that this variant may create or strengthen a splice site. Algorithms developed to predict the effect of missense changes on protein structure and function (SIFT, PolyPhen-2, Align-GVGD) all suggest that this variant is likely to be disruptive. This variant has not been reported in the literature in individuals affected with TRPM4-related conditions. This variant is not present in population databases (gnomAD no frequency). This sequence change replaces glycine, which is neutral and non-polar, with valine, which is neutral and non-polar, at codon 303 of the TRPM4 protein (p.Gly303Val).